The following is an entry in ClinVar:

ClinVar aggregate classification (germline): Uncertain significance (1 of 4 stars; one submission).

Submission:

Labcorp Genetics (formerly Invitae), Labcorp
Classification: Uncertain significance. Last evaluated: 2021-09-18. Review status: criteria provided, single submitter. Criteria: Invitae Variant Classification Sherloc (09022015). Collection method: clinical testing. Allele origin: germline.
Comment: This sequence change replaces tryptophan with arginine at codon 196 of the IFT43 protein (p.Trp196Arg). The tryptophan residue is highly conserved and there is a moderate physicochemical difference between tryptophan and arginine. This variant is not present in population databases (ExAC no frequency). In summary, the available evidence is currently insufficient to determine the role of this variant in disease. Therefore, it has been classified as a Variant of Uncertain Significance. Algorithms developed to predict the effect of missense changes on protein structure and function are either unavailable or do not agree on the potential impact of this missense change (SIFT: "Tolerated"; PolyPhen-2: "Probably Damaging"; Align-GVGD: "Class C0"). This variant has not been reported in the literature in individuals affected with IFT43-related conditions.

NM_001102564.3(IFT43):c.571T>A (p.Trp191Arg)

Gene: IFT43 (intraflagellar transport 43; plus strand). Cytogenetic location: 14q24.3.
Variant type: single nucleotide variant.
Coding change: c.571T>A on transcript NM_001102564.3 (MANE Select); coding-DNA position 571, T replaced by A.
Protein change: p.Trp191Arg; replaces tryptophan 191 with arginine.
Molecular consequence: missense variant. On other transcripts: non-coding transcript variant (2).
Genome position (GRCh38, 1-based): chr14:76,083,521, T>A. VCF-style: chr14-76083521-T-A. GRCh37 (hg19) VCF-style: chr14-76549864-T-A.
Other names: c.586T>A, p.Trp196Arg (NM_052873.3); short protein forms W191R, W196R.
Identifiers: ClinVar variation 1486341 (VCV001486341.6), dbSNP rs2140102279, ClinGen allele CA390474787.